The following is an entry in ClinVar:

NM_177965.4(CFAP418):c.194G>T (p.Ser65Ile)

Gene: CFAP418 (cilia and flagella associated protein 418; minus strand). Cytogenetic location: 8q22.1.
Variant type: single nucleotide variant.
Coding change: c.194G>T on transcript NM_177965.4 (MANE Select); coding-DNA position 194, G replaced by T.
Protein change: p.Ser65Ile; replaces serine 65 with isoleucine.
Molecular consequence: missense variant.
Genome position (GRCh38, 1-based): chr8:95,263,736, C>A on the plus strand (G>T on the coding strand, the complement: CFAP418 is on the minus strand). VCF-style: chr8-95263736-C-A. GRCh37 (hg19) VCF-style: chr8-96275964-C-A.
Other names: c.194G>T, p.Ser65Ile (NM_001363260.1); short protein forms S65I.
Identifiers: ClinVar variation 957321 (VCV000957321.10), dbSNP rs969339085, ClinGen allele CA182089667.
Genomic context (GRCh38, chr8:95,263,736, plus strand): 5'-ACTTGACTTACAGAGGGTTTTTTGTCCAAGTTGGGCTCTTCAAGTATTTCATTAATAAGA[C>A]TGTCAAGATCATCTTCTTTTTTAAATGTTTCTGTTGATCTGAAAAGAAGACATACACAAA-3'
Protein context (NP_808880.1, residues 55-75): ETFKKEDDLD[Ser65Ile]LINEILEEPN

ClinVar aggregate classification (germline): Uncertain significance. Review status: criteria provided, multiple submitters, no conflicts (2 of 4 stars). 3 submissions from 3 submitters: Uncertain significance (3). Last evaluated 2026-06-09.

Conditions:
CFAP418-related disorder. Also called: CFAP418-related condition.
Retinitis pigmentosa (RP). Identifiers: Orphanet 791, MedGen C0035334, MeSH D012174, MONDO:0019200, OMIM 268000. Inheritance: Autosomal dominant, autosomal recessive and X linked inheritance.
Bardet-biedl syndrome 21. Identifiers: MedGen C4319932, MONDO:0044308, OMIM 617406.
Cone-rod dystrophy 16 (CORD16). Identifiers: MedGen C3281045, MONDO:0013786, OMIM 614500.

Allele frequency attached by ClinVar (database versions not stated): gnomAD exomes below 0.00001; gnomAD 0.00009; TOPMed 0.00025.

Submissions (3):

PreventionGenetics, part of Exact Sciences
Classification: Uncertain significance for CFAP418-related condition. Last evaluated: 2026-06-09. Review status: criteria provided, single submitter. Criteria: ACMG Guidelines, 2015. Collection method: clinical testing. Allele origin: germline.
Comment: The CFAP418 c.194G>T variant is predicted to result in the amino acid substitution p.Ser65Ile. To our knowledge, this variant has not been reported in the literature. This variant is reported in 1 heterozygous individual within the 'other' subpopulation in gnomAD. At this time, the clinical significance of this variant is uncertain due to the absence of conclusive functional and genetic evidence.

Labcorp Genetics (formerly Invitae), Labcorp
Classification: Uncertain significance. Last evaluated: 2022-07-12. Review status: criteria provided, single submitter. Criteria: Invitae Variant Classification Sherloc (09022015). Collection method: clinical testing. Allele origin: germline.
Comment: This sequence change replaces serine, which is neutral and polar, with isoleucine, which is neutral and non-polar, at codon 65 of the C8orf37 protein (p.Ser65Ile). This variant is present in population databases (no rsID available, gnomAD no frequency). This variant has not been reported in the literature in individuals affected with C8orf37-related conditions. ClinVar contains an entry for this variant (Variation ID: 957321). Algorithms developed to predict the effect of missense changes on protein structure and function are either unavailable or do not agree on the potential impact of this missense change (SIFT: "Deleterious"; PolyPhen-2: "Benign"; Align-GVGD: "Class C0"). In summary, the available evidence is currently insufficient to determine the role of this variant in disease. Therefore, it has been classified as a Variant of Uncertain Significance.

Fulgent Genetics
Classification: Uncertain significance for Retinitis pigmentosa; Cone-rod dystrophy 16; Bardet-biedl syndrome 21. Last evaluated: 2021-12-13. Review status: criteria provided, single submitter. Criteria: ACMG Guidelines, 2015. Collection method: clinical testing. Allele origin: unknown.